The following is an entry in ClinVar:

ClinVar aggregate classification (germline): Uncertain significance (1 of 4 stars; one submission).

Conditions:
Hereditary cancer-predisposing syndrome. Also called: Hereditary neoplastic syndrome; Neoplastic Syndromes, Hereditary; Tumor predisposition; Hereditary Cancer Syndrome. Identifiers: Orphanet 140162, MedGen C0027672, MeSH D009386, MONDO:0015356.

Submission:

Ambry Genetics
Classification: Uncertain significance for Hereditary cancer-predisposing syndrome. Last evaluated: 2025-08-19. Review status: criteria provided, single submitter. Criteria: Ambry Variant Classification Scheme 2023. Collection method: clinical testing. Allele origin: germline.
Comment: The p.G1357R variant (also known as c.4069G>C), located in coding exon 15 of the APC gene, results from a G to C substitution at nucleotide position 4069. The glycine at codon 1357 is replaced by arginine, an amino acid with dissimilar properties. This amino acid position is conserved. In addition, in silico predictors for this gene do not accurately predict pathogenicity. Based on the available evidence, the clinical significance of this variant remains unclear.

NM_000038.6(APC):c.4069G>C (p.Gly1357Arg)

Gene: APC (APC regulator of Wnt signaling pathway; plus strand). Cytogenetic location: 5q22.2.
Variant type: single nucleotide variant.
Coding change: c.4069G>C on transcript NM_000038.6 (MANE Select); coding-DNA position 4069, G replaced by C.
Protein change: p.Gly1357Arg; replaces glycine 1357 with arginine.
Molecular consequence: missense variant. On other transcripts: non-coding transcript variant (2).
Genome position (GRCh38, 1-based): chr5:112,839,663, G>C. VCF-style: chr5-112839663-G-C. GRCh37 (hg19) VCF-style: chr5-112175360-G-C.
Other names: c.3892G>C, p.Gly1298Arg (NM_001407453.1, NM_001354901.2); c.3820G>C, p.Gly1274Arg (NM_001407454.1, NM_001407455.1, NM_001407456.1 and 1 more transcripts); c.3766G>C, p.Gly1256Arg (NM_001407458.1, NM_001407459.1, NM_001407460.1 and 1 more transcripts); c.3682G>C, p.Gly1228Arg (NM_001407467.1, NM_001407469.1); c.3220G>C, p.Gly1074Arg (NM_001407470.1, NM_001354906.2); c.2917G>C, p.Gly973Arg (NM_001407471.1, NM_001407472.1); c.4069G>C, p.Gly1357Arg (NM_001127510.3, NM_001354895.2, NM_001407450.1); c.4015G>C, p.Gly1339Arg (NM_001127511.3); and 11 more; short protein forms G1197R, G1231R, G1266R, G1347R, G1350R, G1357R, G1367R, G1375R.
Identifiers: ClinVar variation 4121529 (VCV004121529.1).
Genomic context (GRCh38, chr5:112,839,663, plus strand): 5'-CTGCAGGGTTCTAGTTTATCTTCAGAATCAGCCAGGCACAAAGCTGTTGAATTTTCTTCA[G>C]GAGCGAAATCTCCCTCCAAAAGTGGTGCTCAGACACCCAAAAGTCCACCTGAACACTATG-3'
Protein context (NP_000029.2, residues 1347-1367): ARHKAVEFSS[Gly1357Arg]AKSPSKSGAQ